The following is an entry in ClinVar:

ClinVar aggregate classification (germline): Uncertain significance. Review status: criteria provided, multiple submitters, no conflicts (2 of 4 stars). 2 submissions from 2 submitters: Uncertain significance (2). Last evaluated 2025-10-13.

Conditions:
Inborn genetic diseases. Identifiers: MedGen C0950123, MeSH D030342.

Allele frequency attached by ClinVar (database versions not stated): ExAC 0.00003; gnomAD exomes 0.00003.
gnomAD v4.1: 39 of 1,609,218 alleles (0.0024%); highest among the groups gnomAD compares: Non-Finnish European, 0.0028%; no homozygotes.

Submissions (2):

Labcorp Genetics (formerly Invitae), Labcorp
Classification: Uncertain significance. Last evaluated: 2025-10-13. Review status: criteria provided, single submitter. Criteria: Invitae Variant Classification Sherloc (09022015). Collection method: clinical testing. Allele origin: germline.
Comment: This sequence change replaces isoleucine, which is neutral and non-polar, with threonine, which is neutral and polar, at codon 424 of the MPDZ protein (p.Ile424Thr). This variant is present in population databases (rs753896718, gnomAD 0.005%). This variant has not been reported in the literature in individuals affected with MPDZ-related conditions. ClinVar contains an entry for this variant (Variation ID: 1055174). An algorithm developed to predict the effect of missense changes on protein structure and function (PolyPhen-2) suggests that this variant is likely to be tolerated. In summary, the available evidence is currently insufficient to determine the role of this variant in disease. Therefore, it has been classified as a Variant of Uncertain Significance.

Ambry Genetics
Classification: Uncertain significance for Inborn genetic diseases. Last evaluated: 2025-01-28. Review status: criteria provided, single submitter. Criteria: Ambry Variant Classification Scheme 2023. Collection method: clinical testing. Allele origin: germline.

NM_001378778.1(MPDZ):c.1271T>C (p.Ile424Thr)

Gene: MPDZ (multiple PDZ domain crumbs cell polarity complex component; minus strand). Cytogenetic location: 9p23.
Variant type: single nucleotide variant.
Coding change: c.1271T>C on transcript NM_001378778.1 (MANE Select); coding-DNA position 1271, T replaced by C.
Protein change: p.Ile424Thr; replaces isoleucine 424 with threonine.
Molecular consequence: missense variant.
Genome position (GRCh38, 1-based): chr9:13,216,793, A>G on the plus strand (T>C on the coding strand, the complement: MPDZ is on the minus strand). VCF-style: chr9-13216793-A-G. GRCh37 (hg19) VCF-style: chr9-13216792-A-G.
Other names: c.1271T>C, p.Ile424Thr (NM_001261406.2, NM_001261407.2, NM_001330637.2 and 14 more transcripts); c.1271T>C (NM_003829.3); short protein forms I424T.
Identifiers: ClinVar variation 1055174 (VCV001055174.8), dbSNP rs753896718, ClinGen allele CA4987845.
Genomic context (GRCh38, chr9:13,216,793, plus strand): 5'-CCATGAAAATTAACAAAGCTATTGTTAAATGTGTAACTTACTGCTATAATTTGGTCTCCA[A>G]TTTGGATTCTTCCATCATGCTCAACGGCACTGCTTTTTGTAATGCTCTTTACAAAGATTC-3'
Protein context (NP_001365707.1, residues 414-434): SAVEHDGRIQ[Ile424Thr]GDQIIAVDGT